The following is an entry in ClinVar:

NM_019844.4(SLCO1B3):c.1313T>C (p.Leu438Pro)

Genes: SLCO1B3 (solute carrier organic anion transporter family member 1B3; plus strand), SLCO1B3-SLCO1B7 (SLCO1B3-SLCO1B7 readthrough; plus strand). Cytogenetic location: 12p12.2.
Variant type: single nucleotide variant.
Coding change: c.1313T>C on transcript NM_019844.4 (MANE Select); coding-DNA position 1313, T replaced by C.
Protein change: p.Leu438Pro; replaces leucine 438 with proline.
Molecular consequence: missense variant.
Genome position (GRCh38, 1-based): chr12:20,879,613, T>C. VCF-style: chr12-20879613-T-C. GRCh37 (hg19) VCF-style: chr12-21032547-T-C.
Other names: c.1313T>C, p.Leu438Pro (NM_001371097.1); c.1229T>C, p.Leu410Pro (NM_001349920.2); short protein forms L410P, L438P.
Identifiers: ClinVar variation 811660 (VCV000811660.11), dbSNP rs189943255, ClinGen allele CA6475522.

ClinVar aggregate classification (germline): Uncertain significance. Review status: criteria provided, single submitter (1 of 4 stars). 2 submissions from 2 submitters: Uncertain significance (1). 1 of the submissions does not count toward it. Last evaluated 2023-10-27.

Conditions:
SLCO1B3-related disorder. Also called: SLCO1B3-related condition.
Rotor syndrome (HBLRR). Also called: HYPERBILIRUBINEMIA, ROTOR TYPE, DIGENIC; HYPERBILIRUBINEMIA, ROTOR TYPE. Identifiers: Orphanet 3111, MedGen C0220991, MONDO:0009379, OMIM 237450.

Allele frequency attached by ClinVar (database versions not stated): gnomAD 0.00016; gnomAD exomes 0.00016 and 0.00083; 1000 Genomes Project 0.00020; 1000 Genomes Project 30x 0.00031; TOPMed 0.00042; ExAC 0.00072.
gnomAD v4.1: 256 of 1,609,400 alleles (0.016%); highest among the groups gnomAD compares: Admixed American, 0.38%; 2 homozygotes.

Submissions (2):

ARUP Laboratories, Molecular Genetics and Genomics, ARUP Laboratories
Classification: Uncertain significance for Rotor syndrome. Last evaluated: 2023-10-27. Review status: criteria provided, single submitter. Criteria: ARUP Molecular Germline Variant Investigation Process 2024. Collection method: clinical testing. Allele origin: germline.

PreventionGenetics, part of Exact Sciences
Classification: Likely benign for SLCO1B3-related condition. Last evaluated: 2021-05-24. Review status: no assertion criteria provided. Collection method: clinical testing. Allele origin: germline. Not counted in ClinVar's aggregate classification.
Comment: This variant is classified as likely benign based on ACMG/AMP sequence variant interpretation guidelines (Richards et al. 2015 PMID: 25741868, with internal and published modifications).